The following is an entry in ClinVar:

NM_001348323.3(TRIP12):c.3208C>T (p.Arg1070Ter)

Gene: TRIP12 (thyroid hormone receptor interactor 12; minus strand). Cytogenetic location: 2q36.3.
Variant type: single nucleotide variant.
Coding change: c.3208C>T on transcript NM_001348323.3 (MANE Select); coding-DNA position 3208, C replaced by T.
Protein change: p.Arg1070Ter; replaces arginine 1070 with a stop codon.
Molecular consequence: nonsense.
Genome position (GRCh38, 1-based): chr2:229,799,382, G>A on the plus strand (C>T on the coding strand, the complement: TRIP12 is on the minus strand). VCF-style: chr2-229799382-G-A. GRCh37 (hg19) VCF-style: chr2-230664098-G-A.
Other names: c.3127C>T, p.Arg1043Ter (NM_001284214.2, NM_001348315.2); c.3082C>T, p.Arg1028Ter (NM_001284215.2, NM_001348316.2, NM_001348317.1 and 1 more transcripts); c.2173C>T, p.Arg725Ter (NM_001284216.2); c.3208C>T, p.Arg1070Ter (NM_001348319.1, NM_001348320.2, NM_001348322.1 and 4 more transcripts); c.3211C>T, p.Arg1071Ter (NM_001348321.1, NM_001348328.1, NM_001348329.2 and 1 more transcripts); c.3001C>T, p.Arg1001Ter (NM_001348331.1); c.3121C>T, p.Arg1041Ter (NM_001348332.1); c.3130C>T, p.Arg1044Ter (NM_001348333.1); and 1 more; short protein forms R1028*, R1001*, R1044*, R1070*, R1071*, R725*, R995*, R1041*.
Identifiers: ClinVar variation 817548 (VCV000817548.4), dbSNP rs1575161164, ClinGen allele CA350909217.

ClinVar aggregate classification (germline): Likely pathogenic. Review status: criteria provided, single submitter (1 of 4 stars). 2 submissions from 2 submitters: Likely pathogenic (1). 1 of the submissions does not count toward it. Last evaluated 2026-01-12.

Conditions:
Clark-Baraitser syndrome. Also called: MENTAL RETARDATION, AUTOSOMAL DOMINANT 49; BARAITSER SYNDROME; Mental retardation, tall stature, obesity, macrocephaly and typical facial features; Intellectual disability, autosomal dominant 49. Identifiers: Orphanet 600731, MedGen C2931130, MONDO:0030914, OMIM 617752.

Submissions (2):

GeneDx
Classification: Likely pathogenic. Last evaluated: 2026-01-12. Review status: criteria provided, single submitter. Criteria: GeneDx Variant Classification Process June 2021. Collection method: clinical testing. Allele origin: germline. Affected: yes.
Comment: Observed in two siblings with cognitive impairment, macrocephaly, obesity, and macroorchidism in published literature and inherited from their mildly affected parent (PMID: 31814248); Nonsense variant predicted to result in protein truncation or nonsense mediated decay in a gene for which loss of function is a known mechanism of disease; Not observed at significant frequency in large population cohorts (gnomAD); This variant is associated with the following publications: (PMID: 31814248, 36747006)

OMIM
Classification: Pathogenic for CLARK-BARAITSER SYNDROME. Last evaluated: 2020-04-15. Review status: no assertion criteria provided. Collection method: literature only. Allele origin: germline. Not counted in ClinVar's aggregate classification.

Literature cited by the submitters: PubMed 3812552 (cited by OMIM); PubMed 31814248 (cited by OMIM).